The following is an entry in ClinVar:

NM_000539.3(RHO):c.571T>G (p.Tyr191Asp)

Gene: RHO (rhodopsin; plus strand). Cytogenetic location: 3q22.1.
Variant type: single nucleotide variant.
Coding change: c.571T>G on transcript NM_000539.3 (MANE Select); coding-DNA position 571, T replaced by G.
Protein change: p.Tyr191Asp; replaces tyrosine 191 with aspartic acid.
Molecular consequence: missense variant.
Genome position (GRCh38, 1-based): chr3:129,532,291, T>G. VCF-style: chr3-129532291-T-G. GRCh37 (hg19) VCF-style: chr3-129251134-T-G.
Other names: short protein forms Y191D.
Identifiers: ClinVar variation 984786 (VCV000984786.9), dbSNP rs1578280614, ClinGen allele CA354499331.

ClinVar aggregate classification (germline): Uncertain significance. Review status: criteria provided, multiple submitters, no conflicts (2 of 4 stars). 2 submissions from 2 submitters: Uncertain significance (2). Last evaluated 2020-09-01.

Conditions:
Retinitis pigmentosa 4 (RP4). Also called: RETINITIS PIGMENTOSA, RHODOPSIN-RELATED. Identifiers: Orphanet 791, MedGen C3151001, MONDO:0013395, OMIM 613731.

Submissions (2):

Centre for Genomic Medicine, Manchester, Central Manchester University Hospitals
Classification: Uncertain significance for Retinitis pigmentosa 4. Last evaluated: 2020-09-01. Review status: criteria provided, single submitter. Criteria: ACMG Guidelines, 2015. Collection method: clinical testing. Allele origin: germline. Affected: yes. Observed: 1 heterozygote.

Labcorp Genetics (formerly Invitae), Labcorp
Classification: Uncertain significance. Last evaluated: 2020-03-10. Review status: criteria provided, single submitter. Criteria: Invitae Variant Classification Sherloc (09022015). Collection method: clinical testing. Allele origin: germline.
Comment: This sequence change replaces tyrosine with aspartic acid at codon 191 of the RHO protein (p.Tyr191Asp). The tyrosine residue is highly conserved and there is a large physicochemical difference between tyrosine and aspartic acid. This variant is not present in population databases (ExAC no frequency). This variant has been observed in individual(s) with retinitis pigmentosa (Invitae). Algorithms developed to predict the effect of missense changes on protein structure and function (SIFT, PolyPhen-2, Align-GVGD) all suggest that this variant is likely to be disruptive, but these predictions have not been confirmed by published functional studies and their clinical significance is uncertain. This variant disrupts the p.Tyr191 amino acid residue in RHO. Other variant(s) that disrupt this residue have been observed in individuals with RHO-related conditions (PMID: 23484092), which suggests that this may be a clinically significant amino acid residue. In summary, the available evidence is currently insufficient to determine the role of this variant in disease. Therefore, it has been classified as a Variant of Uncertain Significance.

Literature cited by the submitters: PubMed 23484092 (cited by Labcorp Genetics (formerly Invitae), Labcorp).